The following is an entry in ClinVar:

ClinVar aggregate classification (germline): Uncertain significance (1 of 4 stars; one submission).

Conditions:
Neuroblastoma, susceptibility to, 3. Also called: ALK-Related Neuroblastic Tumor Susceptibility. Identifiers: Orphanet 635, MedGen C2751681, MONDO:0013083, OMIM 613014.

Allele frequency attached by ClinVar (database versions not stated): gnomAD exomes below 0.00001.
gnomAD v4.1: 1 of 1,614,154 alleles (0.000062%); highest among the groups gnomAD compares: South Asian, 0.0011%; no homozygotes.

Submission:

Labcorp Genetics (formerly Invitae), Labcorp
Classification: Uncertain significance for Neuroblastoma, susceptibility to, 3. Last evaluated: 2022-04-25. Review status: criteria provided, single submitter. Criteria: Invitae Variant Classification Sherloc (09022015). Collection method: clinical testing. Allele origin: germline.
Comment: This sequence change replaces proline, which is neutral and non-polar, with serine, which is neutral and polar, at codon 213 of the ALK protein (p.Pro213Ser). This variant is not present in population databases (gnomAD no frequency). This variant has not been reported in the literature in individuals affected with ALK-related conditions. Algorithms developed to predict the effect of missense changes on protein structure and function are either unavailable or do not agree on the potential impact of this missense change (SIFT: "Deleterious"; PolyPhen-2: "Possibly Damaging"; Align-GVGD: "Class C0"). In summary, the available evidence is currently insufficient to determine the role of this variant in disease. Therefore, it has been classified as a Variant of Uncertain Significance.

NM_004304.5(ALK):c.637C>T (p.Pro213Ser)

Gene: ALK (ALK receptor tyrosine kinase; minus strand). Cytogenetic location: 2p23.1.
Variant type: single nucleotide variant.
Coding change: c.637C>T on transcript NM_004304.5 (MANE Select); coding-DNA position 637, C replaced by T.
Protein change: p.Pro213Ser; replaces proline 213 with serine.
Molecular consequence: missense variant.
Genome position (GRCh38, 1-based): chr2:29,920,023, G>A on the plus strand (C>T on the coding strand, the complement: ALK is on the minus strand). VCF-style: chr2-29920023-G-A. GRCh37 (hg19) VCF-style: chr2-30142889-G-A.
Other names: short protein forms P213S.
Identifiers: ClinVar variation 2127886 (VCV002127886.4), dbSNP rs2148442833, ClinGen allele CA346589639.
Genomic context (GRCh38, chr2:29,920,023, plus strand): 5'-TCCCGGCACACTCAGGCGGGAGCTGCTCACCAGTCCCGAAGATCTGGAAGAGAAGGCGGG[G>A]CTGGGAGGCGCGAATTGCCGCGGACAGCCTTCCCTCTCTGCCCACTTCCGACGCCTTCTT-3'
Protein context (NP_004295.2, residues 203-223): RLSAAIRASQ[Pro213Ser]RLLFQIFGTG